The following is an entry in ClinVar:

NM_173546.3(KLHDC8B):c.677G>A (p.Ser226Asn)

Gene: KLHDC8B (kelch domain containing 8B; plus strand). Cytogenetic location: 3p21.31.
Variant type: single nucleotide variant.
Coding change: c.677G>A on transcript NM_173546.3 (MANE Select); coding-DNA position 677, G replaced by A.
Protein change: p.Ser226Asn; replaces serine 226 with asparagine.
Molecular consequence: missense variant.
Genome position (GRCh38, 1-based): chr3:49,174,877, G>A. VCF-style: chr3-49174877-G-A. GRCh37 (hg19) VCF-style: chr3-49212310-G-A.
Other names: short protein forms S226N.
Identifiers: ClinVar variation 3009529 (VCV003009529.3), dbSNP rs1437416167, ClinGen allele CA352777128.

ClinVar aggregate classification (germline): Uncertain significance (1 of 4 stars; one submission).

Submission:

Labcorp Genetics (formerly Invitae), Labcorp
Classification: Uncertain significance. Last evaluated: 2024-04-10. Review status: criteria provided, single submitter. Criteria: Invitae Variant Classification Sherloc (09022015). Collection method: clinical testing. Allele origin: germline.
Comment: This sequence change replaces serine, which is neutral and polar, with asparagine, which is neutral and polar, at codon 226 of the KLHDC8B protein (p.Ser226Asn). This variant is not present in population databases (gnomAD no frequency). This variant has not been reported in the literature in individuals affected with KLHDC8B-related conditions. An algorithm developed to predict the effect of missense changes on protein structure and function (PolyPhen-2) suggests that this variant is likely to be disruptive. In summary, the available evidence is currently insufficient to determine the role of this variant in disease. Therefore, it has been classified as a Variant of Uncertain Significance.